The following is an entry in ClinVar:

NM_031418.4(ANO3):c.2723A>G (p.His908Arg)

Gene: ANO3 (anoctamin 3; plus strand). Cytogenetic location: 11p14.2.
Variant type: single nucleotide variant.
Coding change: c.2723A>G on transcript NM_031418.4 (MANE Select); coding-DNA position 2723, A replaced by G.
Protein change: p.His908Arg; replaces histidine 908 with arginine.
Molecular consequence: missense variant.
Genome position (GRCh38, 1-based): chr11:26,656,441, A>G. VCF-style: chr11-26656441-A-G. GRCh37 (hg19) VCF-style: chr11-26677988-A-G.
Other names: c.2906A>G, p.His969Arg (NM_001313726.2); c.2285A>G, p.His762Arg (NM_001313727.2); short protein forms H762R, H908R, H969R.
Identifiers: ClinVar variation 3364444 (VCV003364444.1).

ClinVar aggregate classification (germline): Uncertain significance (1 of 4 stars; one submission).

Submission:

GeneDx
Classification: Uncertain significance. Last evaluated: 2023-11-15. Review status: criteria provided, single submitter. Criteria: GeneDx Variant Classification Process June 2021. Collection method: clinical testing. Allele origin: germline. Affected: yes.
Comment: Not observed at significant frequency in large population cohorts (gnomAD); In silico analysis supports that this missense variant has a deleterious effect on protein structure/function; Has not been previously published as pathogenic or benign to our knowledge